The following is an entry in ClinVar:

ClinVar aggregate classification (germline): Uncertain significance (1 of 4 stars; one submission).

Submission:

Labcorp Genetics (formerly Invitae), Labcorp
Classification: Uncertain significance. Last evaluated: 2025-08-04. Review status: criteria provided, single submitter. Criteria: Invitae Variant Classification Sherloc (09022015). Collection method: clinical testing. Allele origin: germline.
Comment: This sequence change replaces threonine, which is neutral and polar, with alanine, which is neutral and non-polar, at codon 4055 of the HMCN1 protein (p.Thr4055Ala). This variant is not present in population databases (gnomAD no frequency). This variant has not been reported in the literature in individuals affected with HMCN1-related conditions. ClinVar contains an entry for this variant (Variation ID: 1474587). An algorithm developed to predict the effect of missense changes on protein structure and function (PolyPhen-2) suggests that this variant is likely to be tolerated. In summary, the available evidence is currently insufficient to determine the role of this variant in disease. Therefore, it has been classified as a Variant of Uncertain Significance.

NM_031935.3(HMCN1):c.12163A>G (p.Thr4055Ala)

Gene: HMCN1 (hemicentin 1; plus strand). Cytogenetic location: 1q31.1.
Variant type: single nucleotide variant.
Coding change: c.12163A>G on transcript NM_031935.3 (MANE Select); coding-DNA position 12163, A replaced by G.
Protein change: p.Thr4055Ala; replaces threonine 4055 with alanine.
Molecular consequence: missense variant.
Genome position (GRCh38, 1-based): chr1:186,120,079, A>G. VCF-style: chr1-186120079-A-G. GRCh37 (hg19) VCF-style: chr1-186089211-A-G.
Other names: short protein forms T4055A.
Identifiers: ClinVar variation 1474587 (VCV001474587.6), dbSNP rs2102488229, ClinGen allele CA343949169.
Genomic context (GRCh38, chr1:186,120,079, plus strand): 5'-CATGCAGTTCTTCCTAGTGGCGGCTTACAGATCTCCAGAGCTGTCCGAGAGGATGCTGGC[A>G]CTTACATGTGTGTGGCCCAGAACCCGGCTGGTACAGCCTTGGGCAAAATCAAGTTAAATG-3'
Protein context (NP_114141.2, residues 4045-4065): ISRAVREDAG[Thr4055Ala]YMCVAQNPAG